The following is an entry in ClinVar:

NM_004168.4(SDHA):c.351C>A (p.Asp117Glu)

Gene: SDHA (succinate dehydrogenase complex flavoprotein subunit A; plus strand). Cytogenetic location: 5p15.33.
Variant type: single nucleotide variant.
Coding change: c.351C>A on transcript NM_004168.4 (MANE Select); coding-DNA position 351, C replaced by A.
Protein change: p.Asp117Glu; replaces aspartic acid 117 with glutamic acid.
Molecular consequence: missense variant. On other transcripts: intron variant (1).
Genome position (GRCh38, 1-based): chr5:225,457, C>A. VCF-style: chr5-225457-C-A. GRCh37 (hg19) VCF-style: chr5-225572-C-A.
Other names: c.351C>A, p.Asp117Glu (NM_001330758.2); c.313-426C>A (NM_001294332.2); short protein forms D117E.
Identifiers: ClinVar variation 3438714 (VCV003438714.1).

ClinVar aggregate classification (germline): Uncertain significance (1 of 4 stars; one submission).

Conditions:
Hereditary cancer-predisposing syndrome. Also called: Tumor predisposition; Neoplastic Syndromes, Hereditary; Hereditary neoplastic syndrome; Hereditary Cancer Syndrome. Identifiers: Orphanet 140162, MedGen C0027672, MeSH D009386, MONDO:0015356.

Submission:

Ambry Genetics
Classification: Uncertain significance for Hereditary cancer-predisposing syndrome. Last evaluated: 2024-12-07. Review status: criteria provided, single submitter. Criteria: Ambry Variant Classification Scheme 2023. Collection method: clinical testing. Allele origin: germline.
Comment: The p.D117E variant (also known as c.351C>A), located in coding exon 4 of the SDHA gene, results from a C to A substitution at nucleotide position 351. The aspartic acid at codon 117 is replaced by glutamic acid, an amino acid with highly similar properties. This amino acid position is conserved. In addition, this alteration is predicted to be deleterious by in silico analysis. Based on the available evidence, the clinical significance of this variant remains unclear.